The following is an entry in ClinVar:

NM_012309.5(SHANK2):c.1670G>A (p.Ser557Asn)

Gene: SHANK2 (SH3 and multiple ankyrin repeat domains 2; minus strand). Cytogenetic location: 11q13.4.
Variant type: single nucleotide variant.
Coding change: c.1670G>A on transcript NM_012309.5 (MANE Select); coding-DNA position 1670, G replaced by A.
Protein change: p.Ser557Asn; replaces serine 557 with asparagine.
Molecular consequence: missense variant.
Genome position (GRCh38, 1-based): chr11:70,798,550, C>T on the plus strand (G>A on the coding strand, the complement: SHANK2 is on the minus strand). VCF-style: chr11-70798550-C-T. GRCh37 (hg19) VCF-style: chr11-70644655-C-T.
Other names: c.533G>A, p.Ser178Asn (NM_001379226.1); c.1670G>A (NM_012309.4); short protein forms S178N, S557N.
Identifiers: ClinVar variation 2642088 (VCV002642088.25), dbSNP rs141184740, ClinGen allele CA6161777.

ClinVar aggregate classification (germline): Likely benign. Review status: criteria provided, single submitter (1 of 4 stars). 2 submissions from 2 submitters: Likely benign (1). 1 of the submissions does not count toward it. Last evaluated 2026-07-01.

Conditions:
SHANK2-related disorder.

Allele frequency attached by ClinVar (database versions not stated): gnomAD exomes 0.00250; ESP Exome Variant Server 0.00285; 1000 Genomes Project 0.00339; 1000 Genomes Project 30x 0.00344; gnomAD 0.00365; ExAC 0.00395; TOPMed 0.00457.
gnomAD v4.1: 2,095 of 718,654 alleles (0.29%); highest among the groups gnomAD compares: Middle Eastern, 0.91%; 9 homozygotes.

Submissions (2):

CeGaT Center for Human Genetics Tuebingen
Classification: Likely benign. Last evaluated: 2026-07-01. Review status: criteria provided, single submitter. Criteria: CeGaT Center For Human Genetics Tuebingen Variant Classification Criteria Version 2. Collection method: clinical testing. Allele origin: germline. Affected: yes. Observed: 13 variant alleles.
Comment: SHANK2: BS2

PreventionGenetics, part of Exact Sciences
Classification: Benign for SHANK2-related condition. Last evaluated: 2023-06-09. Review status: no assertion criteria provided. Collection method: clinical testing. Allele origin: germline. Not counted in ClinVar's aggregate classification.
Comment: This variant is classified as benign based on ACMG/AMP sequence variant interpretation guidelines (Richards et al. 2015 PMID: 25741868, with internal and published modifications).